The following is an entry in ClinVar:

ClinVar aggregate classification (germline): Uncertain significance (1 of 4 stars; one submission).

Conditions:
Hereditary cancer-predisposing syndrome. Also called: Neoplastic Syndromes, Hereditary; Tumor predisposition; Hereditary Cancer Syndrome; Hereditary neoplastic syndrome. Identifiers: Orphanet 140162, MedGen C0027672, MeSH D009386, MONDO:0015356.

Submission:

Ambry Genetics
Classification: Uncertain significance for Hereditary cancer-predisposing syndrome. Last evaluated: 2021-04-26. Review status: criteria provided, single submitter. Criteria: Ambry Variant Classification Scheme 2023. Collection method: clinical testing. Allele origin: germline.
Comment: The p.E1353A variant (also known as c.4058A>C), located in coding exon 15 of the APC gene, results from an A to C substitution at nucleotide position 4058. The glutamic acid at codon 1353 is replaced by alanine, an amino acid with dissimilar properties. This amino acid position is well conserved in available vertebrate species. In addition, in silico predictors for this gene do not accurately predict pathogenicity. Since supporting evidence is limited at this time, the clinical significance of this alteration remains unclear.

NM_000038.6(APC):c.4058A>C (p.Glu1353Ala)

Gene: APC (APC regulator of Wnt signaling pathway; plus strand). Cytogenetic location: 5q22.2.
Variant type: single nucleotide variant.
Coding change: c.4058A>C on transcript NM_000038.6 (MANE Select); coding-DNA position 4058, A replaced by C.
Protein change: p.Glu1353Ala; replaces glutamic acid 1353 with alanine.
Molecular consequence: missense variant.
Genome position (GRCh38, 1-based): chr5:112,839,652, A>C. VCF-style: chr5-112839652-A-C. GRCh37 (hg19) VCF-style: chr5-112175349-A-C.
Other names: c.4058A>C, p.Glu1353Ala (NM_001127510.3, NM_001407450.1, NM_001354895.2); c.3680A>C, p.Glu1227Ala (NM_001354904.2); c.3578A>C, p.Glu1193Ala (NM_001354905.2); c.3209A>C, p.Glu1070Ala (NM_001354906.2, NM_001407470.1); c.4142A>C, p.Glu1381Ala (NM_001407446.1); c.4112A>C, p.Glu1371Ala (NM_001407447.1, NM_001407448.1, NM_001407449.1 and 1 more transcripts); c.4037A>C, p.Glu1346Ala (NM_001407451.1); c.3671A>C, p.Glu1224Ala (NM_001407469.1, NM_001407467.1); and 11 more; short protein forms E1070A, E1193A, E1262A, E1270A, E1335A, E1346A, E1252A, E1325A.
Identifiers: ClinVar variation 1737427 (VCV001737427.2), dbSNP rs2149905269, ClinGen allele CA16030223.